The following is an entry in ClinVar:

NM_000199.5(SGSH):c.1093C>T (p.Gln365Ter)

Gene: SGSH (N-sulfoglucosamine sulfohydrolase; minus strand). Cytogenetic location: 17q25.3.
Variant type: single nucleotide variant.
Coding change: c.1093C>T on transcript NM_000199.5 (MANE Select); coding-DNA position 1093, C replaced by T.
Protein change: p.Gln365Ter; replaces glutamine 365 with a stop codon.
Molecular consequence: nonsense. On other transcripts: 3 prime UTR variant (2), non-coding transcript variant (1).
Genome position (GRCh38, 1-based): chr17:80,210,868, G>A on the plus strand (C>T on the coding strand, the complement: SGSH is on the minus strand). VCF-style: chr17-80210868-G-A. GRCh37 (hg19) VCF-style: chr17-78184667-G-A.
Other names: c.1093C>T (NM_000199.4); c.*180C>T (NM_001352921.3); c.*143C>T (NM_001352922.2); short protein forms Q365*.
Identifiers: ClinVar variation 1494087 (VCV001494087.12), dbSNP rs1459579613, ClinGen allele CA401359160.
Genomic context (GRCh38, chr17:80,210,868, plus strand): 5'-GGAAGTGCCGGTGCTGCACGGAGCGCATGGGGTAGGACATGGTGACCTCGTGGTGGCTCT[G>A]GCTGCCAAAGACGGTGGCCCAGAGGGGCTCGGCCTCCAGCGCCGGCAGGAGGGACCGGCC-3'

ClinVar aggregate classification (germline): Pathogenic/Likely pathogenic. Review status: criteria provided, multiple submitters, no conflicts (2 of 4 stars). 5 submissions from 5 submitters: Pathogenic (4); Likely pathogenic (1). Last evaluated 2026-03-20.

Conditions:
SGSH-related disorder. Also called: SGSH-related condition.
Mucopolysaccharidosis, MPS-III-A (MPS3A). Also called: HEPARAN SULFATE SULFATASE DEFICIENCY; SANFILIPPO SYNDROME A; SULFAMIDASE DEFICIENCY; MPS III A; MPS IIIA (Sanfilippo Syndrome Type A); Mucopolysaccharidosis type IIIA (Sanfilippo A). Identifiers: Orphanet 581, Orphanet 79269, MedGen C0086647, MONDO:0009655, OMIM 252900.

Allele frequency attached by ClinVar (database versions not stated): gnomAD 0.00001; TOPMed below 0.00001.

Submissions (5):

Institute of Human Genetics, University of Leipzig Medical Center
Classification: Pathogenic for Mucopolysaccharidosis, MPS-III-A. Last evaluated: 2026-03-20. Review status: criteria provided, single submitter. Criteria: ACMG Guidelines, 2015. Collection method: clinical testing. Allele origin: inherited. Inheritance: Autosomal recessive inheritance. Affected: yes.
Comment: Criteria applied: PVS1,PM2,PM3,PP4

Natera, Inc.
Classification: Pathogenic for Mucopolysaccharidosis type IIIA. Last evaluated: 2024-07-30. Review status: criteria provided, single submitter. Criteria: Natera Variant Classification Schema (03/2026). Collection method: clinical testing. Allele origin: germline.
Comment: The c.1093C>T variant in SGSH is a nonsense variant predicted to introduce a stop codon at amino acid 365. This variant is expected to result in nonsense mediated decay, truncation, or a dysfunctional protein product. This variant is rare in the general population with a frequency below the threshold expected for the associated phenotype(s). This variant has been observed in one or more individuals affected with the associated recessive disease, as either homozygous or compound heterozygous with a second variant (PMID: 21204211). Given the available evidence, this variant is classified as Pathogenic.

Fulgent Genetics
Classification: Likely pathogenic for Mucopolysaccharidosis, MPS-III-A. Last evaluated: 2024-01-27. Review status: criteria provided, single submitter. Criteria: ACMG Guidelines, 2015. Collection method: clinical testing. Allele origin: germline.

Labcorp Genetics (formerly Invitae), Labcorp
Classification: Pathogenic for Mucopolysaccharidosis, MPS-III-A. Last evaluated: 2023-12-09. Review status: criteria provided, single submitter. Criteria: Invitae Variant Classification Sherloc (09022015). Collection method: clinical testing. Allele origin: germline.
Comment: This sequence change creates a premature translational stop signal (p.Gln365*) in the SGSH gene. While this is not anticipated to result in nonsense mediated decay, it is expected to disrupt the last 138 amino acid(s) of the SGSH protein. This variant is not present in population databases (gnomAD no frequency). This premature translational stop signal has been observed in individuals with mucopolysaccharidosis type III (PMID: 10727844, 28101780). ClinVar contains an entry for this variant (Variation ID: 1494087). This variant disrupts a region of the SGSH protein in which other variant(s) (p.Val379Cysfs*34) have been determined to be pathogenic (PMID: 9285796, 15146460, 24875751). This suggests that this is a clinically significant region of the protein, and that variants that disrupt it are likely to be disease-causing. For these reasons, this variant has been classified as Pathogenic.

Blueprint Genetics
Classification: Pathogenic for SGSH-related disorders. Last evaluated: 2022-03-11. Review status: criteria provided, single submitter. Criteria: ACMG Guidelines, 2015. Collection method: clinical testing. Allele origin: germline. Affected: yes. Observed: 1 variant allele.

Literature cited by the submitters: PubMed 21204211 (cited by Natera, Inc.); PubMed 10727844 (cited by Labcorp Genetics (formerly Invitae), Labcorp); PubMed 28101780 (cited by Labcorp Genetics (formerly Invitae), Labcorp); PubMed 9285796 (cited by Labcorp Genetics (formerly Invitae), Labcorp); PubMed 15146460 (cited by Labcorp Genetics (formerly Invitae), Labcorp); PubMed 24875751 (cited by Labcorp Genetics (formerly Invitae), Labcorp).